The following is an entry in ClinVar:

ClinVar aggregate classification (germline): Pathogenic/Likely pathogenic. Review status: criteria provided, multiple submitters, no conflicts (2 of 4 stars). 2 submissions from 2 submitters: Pathogenic (1); Likely pathogenic (1). Last evaluated 2024-03-04.

Conditions:
Mendelian susceptibility to mycobacterial diseases due to complete IL12RB1 deficiency. Also called: IL12RB1 DEFICIENCY; Immunodeficiency 30. Identifiers: Orphanet 319552, MedGen C4013949, MONDO:0013955, OMIM 614891.

Allele frequency attached by ClinVar (database versions not stated): gnomAD exomes below 0.00001.

Submissions (2):

Labcorp Genetics (formerly Invitae), Labcorp
Classification: Pathogenic for Mendelian susceptibility to mycobacterial diseases due to complete IL12RB1 deficiency. Last evaluated: 2024-03-04. Review status: criteria provided, single submitter. Criteria: Invitae Variant Classification Sherloc (09022015). Collection method: clinical testing. Allele origin: germline.
Comment: This sequence change creates a premature translational stop signal (p.Leu200Argfs*3) in the IL12RB1 gene. It is expected to result in an absent or disrupted protein product. Loss-of-function variants in IL12RB1 are known to be pathogenic (PMID: 9603733, 12591909). This variant is present in population databases (no rsID available, gnomAD 0.003%). This premature translational stop signal has been observed in individual(s) with Mendelian susceptibility to mycobacterial disease (PMID: 33732252). ClinVar contains an entry for this variant (Variation ID: 1324575). For these reasons, this variant has been classified as Pathogenic.

Revvity Omics, Revvity
Classification: Likely pathogenic for Mendelian susceptibility to mycobacterial diseases due to complete IL12RB1 deficiency. Last evaluated: 2021-01-27. Review status: criteria provided, single submitter. Criteria: ACMG Guidelines, 2015. Collection method: clinical testing. Allele origin: germline.

Literature cited by the submitters: PubMed 9603733 (cited by Labcorp Genetics (formerly Invitae), Labcorp); PubMed 12591909 (cited by Labcorp Genetics (formerly Invitae), Labcorp); PubMed 33732252 (cited by Labcorp Genetics (formerly Invitae), Labcorp).

NM_005535.3(IL12RB1):c.599del (p.Leu200fs)

Gene: IL12RB1 (interleukin 12 receptor subunit beta 1; minus strand). Cytogenetic location: 19p13.11.
Variant type: Deletion.
Coding change: c.599del on transcript NM_005535.3 (MANE Select); coding-DNA position 599, one base deleted (T; older notation c.599delT).
Protein change: p.Leu200fs; shifts the reading frame from leucine 200.
Molecular consequence: frameshift variant.
Genome position (GRCh38, 1-based): chr19:18,075,850, A deleted on the plus strand (T on the coding strand, the reverse complement: IL12RB1 is on the minus strand). VCF-style (leftmost placement, unchanged base first): chr19-18075849-CA-C. GRCh37 (hg19) VCF-style: chr19-18186659-CA-C.
Other names: c.599del, p.Leu200fs (NM_001290023.2, NM_153701.3); c.719delT, p.Leu240Argfs (NM_001290024.2); c.599delT, p.Leu200Argfs (NM_005535.1); short protein forms L200fs, L240fs.
Identifiers: ClinVar variation 1324575 (VCV001324575.8), dbSNP rs1169002203, ClinGen allele CA632093984.
Genomic context (GRCh38, chr19:18,075,849, plus strand): 5'-ACTTCCTTGGCTCCCCAGCTGCCGTCGTCGGAGCTGGAATTCCTGGGCCACATTCATCTC[CA>C]GGGGGCAGAGGCAGGACTCTGGGGAGAGGCAGGTCGAACATCAGGCCGTAAGAATTGTCC-3'